The following is an entry in ClinVar:

ClinVar aggregate classification (germline): Uncertain significance (1 of 4 stars; one submission).

Allele frequency attached by ClinVar (database versions not stated): gnomAD 0.00001; TOPMed 0.00002.
gnomAD v4.1: 2 of 1,610,444 alleles (0.00012%); highest among the groups gnomAD compares: African/African-American, 0.0027%; no homozygotes.

Submission:

Labcorp Genetics (formerly Invitae), Labcorp
Classification: Uncertain significance. Last evaluated: 2022-08-09. Review status: criteria provided, single submitter. Criteria: Invitae Variant Classification Sherloc (09022015). Collection method: clinical testing. Allele origin: germline.
Comment: ClinVar contains an entry for this variant (Variation ID: 1369180). This variant has not been reported in the literature in individuals affected with LRRK1-related conditions. This variant is not present in population databases (gnomAD no frequency). This sequence change replaces histidine, which is basic and polar, with tyrosine, which is neutral and polar, at codon 1240 of the LRRK1 protein (p.His1240Tyr). Algorithms developed to predict the effect of missense changes on protein structure and function (SIFT, PolyPhen-2, Align-GVGD) all suggest that this variant is likely to be tolerated. In summary, the available evidence is currently insufficient to determine the role of this variant in disease. Therefore, it has been classified as a Variant of Uncertain Significance.

NM_024652.6(LRRK1):c.3718C>T (p.His1240Tyr)

Genes: LRRK1 (leucine rich repeat kinase 1; plus strand), LRRK1-AS1 (LRRK1 antisense RNA 1; minus strand). Cytogenetic location: 15q26.3.
Variant type: single nucleotide variant.
Coding change: c.3718C>T on transcript NM_024652.6 (MANE Select); coding-DNA position 3718, C replaced by T.
Protein change: p.His1240Tyr; replaces histidine 1240 with tyrosine.
Molecular consequence: missense variant.
Genome position (GRCh38, 1-based): chr15:101,052,950, C>T. VCF-style: chr15-101052950-C-T. GRCh37 (hg19) VCF-style: chr15-101593155-C-T.
Other names: short protein forms H1240Y.
Identifiers: ClinVar variation 1369180 (VCV001369180.8), dbSNP rs1429110266, ClinGen allele CA393953124.